The following is an entry in ClinVar:

NM_016239.4(MYO15A):c.4571dup (p.Lys1525fs)

Gene: MYO15A (myosin XVA; plus strand). Cytogenetic location: 17p11.2.
Variant type: Duplication.
Coding change: c.4571dup on transcript NM_016239.4 (MANE Select); coding-DNA position 4571, one base duplicated (A; older notation c.4571dupA).
Protein change: p.Lys1525fs; shifts the reading frame from lysine 1525.
Molecular consequence: frameshift variant.
Genome position (GRCh38, 1-based): chr17:18,135,799, A duplicated. VCF-style (leftmost placement, unchanged base first): chr17-18135798-C-CA. GRCh37 (hg19) VCF-style: chr17-18039112-C-CA.
Other names: short protein forms K1525fs.
Identifiers: ClinVar variation 984791 (VCV000984791.4), dbSNP rs2046256329, ClinGen allele CA1139665272.
Genomic context (GRCh38, chr17:18,135,798, plus strand): 5'-GTGAGTGCCCGAGAGATCCAGGCCGTGGCAGAGCTGCTGCAGATCTCCCCTGAGGGCCTG[C>CA]AGAAGGCCATCACCTTCAAAGTGACCGTGAGTCTGTGGGCATCTGGCCTTCGAACAAAGC-3'

ClinVar aggregate classification (germline): Pathogenic. Review status: criteria provided, multiple submitters, no conflicts (2 of 4 stars). 2 submissions from 2 submitters: Pathogenic (2). Last evaluated 2025-10-11.

Conditions:
Autosomal recessive nonsyndromic hearing loss 3. Also called: NEUROSENSORY NONSYNDROMIC RECESSIVE DEAFNESS 3. Identifiers: Orphanet 90636, MedGen C1838263, MONDO:0010860, OMIM 600316.

Submissions (2):

Labcorp Genetics (formerly Invitae), Labcorp
Classification: Pathogenic. Last evaluated: 2025-10-11. Review status: criteria provided, single submitter. Criteria: Invitae Variant Classification Sherloc (09022015). Collection method: clinical testing. Allele origin: germline.
Comment: This sequence change creates a premature translational stop signal (p.Lys1525Glufs*77) in the MYO15A gene. It is expected to result in an absent or disrupted protein product. Loss-of-function variants in MYO15A are known to be pathogenic (PMID: 17546645). This variant is not present in population databases (gnomAD no frequency). This premature translational stop signal has been observed in individual(s) with deafness (PMID: 33398081). ClinVar contains an entry for this variant (Variation ID: 984791). Algorithms developed to predict the effect of sequence changes on RNA splicing suggest that this variant may disrupt the consensus splice site. For these reasons, this variant has been classified as Pathogenic.

Laboratory of Prof. Karen Avraham, Tel Aviv University
Classification: Pathogenic for Autosomal recessive nonsyndromic hearing loss 3. Last evaluated: 2020-10-27. Review status: criteria provided, single submitter. Criteria: ACMG Guidelines, 2015. Collection method: research. Allele origin: germline. Affected: yes.
Comment: Recessive, congenital SNHL

Compound heterozygous with NM_016239.4:c.8090T>C

Literature cited by the submitters: PubMed 17546645 (cited by Labcorp Genetics (formerly Invitae), Labcorp); PubMed 33398081 (cited by Labcorp Genetics (formerly Invitae), Labcorp).